The following is an entry in ClinVar:

ClinVar aggregate classification (germline): Uncertain significance (1 of 4 stars; one submission).

Allele frequency attached by ClinVar (database versions not stated): gnomAD exomes below 0.00001; ExAC 0.00001.
gnomAD v4.1: 1 of 1,614,164 alleles (0.000062%); highest among the groups gnomAD compares: East Asian, 0.0022%; no homozygotes.

Submission:

Labcorp Genetics (formerly Invitae), Labcorp
Classification: Uncertain significance. Last evaluated: 2024-09-06. Review status: criteria provided, single submitter. Criteria: Invitae Variant Classification Sherloc (09022015). Collection method: clinical testing. Allele origin: germline.
Comment: This sequence change replaces phenylalanine, which is neutral and non-polar, with isoleucine, which is neutral and non-polar, at codon 837 of the LCT protein (p.Phe837Ile). This variant is present in population databases (rs770726903, gnomAD 0.0009%). This variant has not been reported in the literature in individuals affected with LCT-related conditions. ClinVar contains an entry for this variant (Variation ID: 1904062). An algorithm developed to predict the effect of missense changes on protein structure and function (PolyPhen-2) suggests that this variant is likely to be disruptive. In summary, the available evidence is currently insufficient to determine the role of this variant in disease. Therefore, it has been classified as a Variant of Uncertain Significance.

NM_002299.4(LCT):c.2509T>A (p.Phe837Ile)

Gene: LCT (lactase; minus strand). Cytogenetic location: 2q21.3.
Variant type: single nucleotide variant.
Coding change: c.2509T>A on transcript NM_002299.4 (MANE Select); coding-DNA position 2509, T replaced by A.
Protein change: p.Phe837Ile; replaces phenylalanine 837 with isoleucine.
Molecular consequence: missense variant.
Genome position (GRCh38, 1-based): chr2:135,809,838, A>T on the plus strand (T>A on the coding strand, the complement: LCT is on the minus strand). VCF-style: chr2-135809838-A-T. GRCh37 (hg19) VCF-style: chr2-136567408-A-T.
Other names: short protein forms F837I.
Identifiers: ClinVar variation 1904062 (VCV001904062.5), dbSNP rs770726903, ClinGen allele CA1888208.